The following is an entry in ClinVar:

ClinVar aggregate classification (germline): Pathogenic (1 of 4 stars; one submission).

Conditions:
Pitt-Hopkins syndrome (PTHS). Also called: ENCEPHALOPATHY, SEVERE EPILEPTIC, WITH AUTONOMIC DYSFUNCTION; MENTAL RETARDATION, SYNDROMAL, WITH INTERMITTENT HYPERVENTILATION. Identifiers: Orphanet 2896, MedGen C1970431, MONDO:0012589, OMIM 610954.

Submission:

Labcorp Genetics (formerly Invitae), Labcorp
Classification: Pathogenic for Pitt-Hopkins syndrome. Last evaluated: 2022-11-14. Review status: criteria provided, single submitter. Criteria: Invitae Variant Classification Sherloc (09022015). Collection method: clinical testing. Allele origin: germline.
Comment: For these reasons, this variant has been classified as Pathogenic. This variant has not been reported in the literature in individuals affected with TCF4-related conditions. This variant is a gross deletion of the genomic region encompassing exon(s) 2-13 of the TCF4 gene, which includes the initiator codon. This deletion extends beyond the assayed region for this gene and therefore may encompass additional genes. It is expected to result in an absent or disrupted protein product. Loss-of-function variants in TCF4 are known to be pathogenic (PMID: 18728071, 22045651).

Literature cited by the submitters: PubMed 18728071; PubMed 22045651.

NC_000018.9:g.(?_52927160)_(53254347_?)del

Gene: TCF4 (transcription factor 4; minus strand). Cytogenetic location: 18q21.2.
Variant type: Deletion.
Identifiers: ClinVar variation 2423673 (VCV002423673.4).